The following is an entry in ClinVar:

ClinVar aggregate classification (germline): Benign/Likely benign. Review status: criteria provided, multiple submitters, no conflicts (2 of 4 stars). 3 submissions from 3 submitters: Benign (1); Likely benign (1). 1 of the submissions does not count toward it. Last evaluated 2026-01-28.

Conditions:
Ornithine aminotransferase deficiency (GACR). Also called: Ornithine ketoacid aminotransferase deficiency; Gyrate atrophy; Gyrate atrophy of choroid and retina; Girate atrophy of the retina; HYPERORNITHINEMIA WITH GYRATE ATROPHY OF CHOROID AND RETINA; OAT DEFICIENCY. Identifiers: Orphanet 414, MedGen C0018425, MONDO:0009796, OMIM 258870.

Submissions (3):

Labcorp Genetics (formerly Invitae), Labcorp
Classification: Benign for Ornithine aminotransferase deficiency. Last evaluated: 2026-01-28. Review status: criteria provided, single submitter. Criteria: Invitae Variant Classification Sherloc (09022015). Collection method: clinical testing. Allele origin: germline.

GeneDx
Classification: Likely benign. Last evaluated: 2019-08-23. Review status: criteria provided, single submitter. Criteria: GeneDx Variant Classification Process June 2021. Collection method: clinical testing. Allele origin: germline. Affected: yes.
Comment: See Variant Classification Assertion Criteria.

Counsyl
Classification: Benign for Ornithine aminotransferase deficiency. Last evaluated: 2018-02-08. Review status: no assertion criteria provided. Collection method: clinical testing. Allele origin: unknown. Not counted in ClinVar's aggregate classification.

Literature cited by the submitters: PubMed 24082780 (cited by Counsyl).

NM_000274.4(OAT):c.199+11_199+16dup

Gene: OAT (ornithine aminotransferase; minus strand). Cytogenetic location: 10q26.13.
Variant type: Duplication.
Coding change: c.199+11_199+16dup on transcript NM_000274.4 (MANE Select); bases 11 to 16 of the intron after coding-DNA position 199, 6 bases duplicated (AATTAA; older notation c.199+11_199+16dupAATTAA).
Molecular consequence: intron variant.
Genome position (GRCh38, 1-based): chr10:124,411,957-124,411,962, TTAATT duplicated on the plus strand (AATTAA on the coding strand, the reverse complement: OAT is on the minus strand); duplicating any 6 consecutive bases within chr10:124,411,957-124,411,963 gives the same sequence; the c. name uses the placement nearest the transcript's 3' end. VCF-style (leftmost placement, unchanged base first): chr10-124411956-A-ATTAATT. GRCh37 (hg19) VCF-style: chr10-126100525-A-ATTAATT.
Other names: c.199+11_199+16dup (NM_001322965.2, NM_001322971.2, NM_001322969.2 and 4 more transcripts); c.-215-2997_-215-2992dup (NM_001171814.2); c.-515-2997_-515-2992dup (NM_001322974.2).
Identifiers: ClinVar variation 556600 (VCV000556600.12), dbSNP rs201396618, ClinGen allele CA5733595.